The following is an entry in ClinVar:

NC_000014.8:g.(?_68251041)_(68282690_?)del

Gene: ZFYVE26 (zinc finger FYVE-type containing 26; minus strand). Cytogenetic location: 14q24.1.
Variant type: Deletion.
Identifiers: ClinVar variation 1070388 (VCV001070388.5).

ClinVar aggregate classification (germline): Pathogenic (1 of 4 stars; one submission).

Conditions:
Spastic paraplegia. Identifiers: MedGen C0037772, HP:0001258.

Submission:

Labcorp Genetics (formerly Invitae), Labcorp
Classification: Pathogenic for Spastic paraplegia. Last evaluated: 2020-01-20. Review status: criteria provided, single submitter. Criteria: Invitae Variant Classification Sherloc (09022015). Collection method: clinical testing. Allele origin: germline.
Comment: For these reasons, this variant has been classified as Pathogenic. Loss-of-function variants in ZFYVE26 are known to be pathogenic (PMID: 18394578, 19805727). This variant has not been reported in the literature in individuals with ZFYVE26-related conditions. This variant is a gross deletion of the genomic region encompassing exons 2-20 of the ZFYVE26 gene, which includes the initiator codon. The 5' end of this event is unknown as it extends beyond the assayed region for this gene and therefore may encompass additional genes. The 3' boundary is likely confined to intron 20 of the ZFYVE26 gene. This is expected to result in an absent or disrupted protein product.

Literature cited by the submitters: PubMed 18394578; PubMed 19805727.